The following is an entry in ClinVar:

ClinVar aggregate classification (germline): Conflicting classifications of pathogenicity. Review status: criteria provided, conflicting classifications (1 of 4 stars). 5 submissions from 5 submitters: Uncertain significance (3); Likely benign (1). 1 of the submissions does not count toward it. Last evaluated 2026-03-24.

Conditions:
Cardiovascular phenotype. Identifiers: MedGen CN230736.
Familial hypobetalipoproteinemia 1. Also called: Hypobetalipoproteinemia, normotriglyceridemic; Acanthocytosis with hypobetalipoproteinemia; APOB-Related Familial Hypobetalipoproteinemia. Identifiers: MedGen C4551990, MONDO:0014252, OMIM 615558.
Hypercholesterolemia, autosomal dominant, type B (FHCL2). Also called: Familial hypercholesterolemia 2; APOB-Related Familial Hypercholesterolemia, Autosomal Dominant; HYPERCHOLESTEROLEMIA, FAMILIAL, DUE TO LIGAND-DEFECTIVE APOLIPOPROTEIN B; Familial Hypercholesterolemia Type B; APOLIPOPROTEIN B-100, FAMILIAL DEFECTIVE; APOLIPOPROTEIN B-100, FAMILIAL LIGAND-DEFECTIVE. Identifiers: MedGen C1704417, MONDO:0007751, OMIM 144010.
Familial hypercholesterolemia. Also called: Familial hypercholesterolaemia; Familial hypercholesterolemias. Identifiers: MedGen C0020445, MONDO:0005439.
Hypercholesterolemia, familial, 1. Also called: LDL RECEPTOR DISORDER; Hyperlipoproteinemia Type IIa; HYPER-LOW-DENSITY-LIPOPROTEINEMIA; HYPERCHOLESTEROLEMIC XANTHOMATOSIS, FAMILIAL; Fredrickson type IIa hyperlipoproteinemia; Hyperlipoproteinemia type 2. Identifiers: Orphanet 391665, MedGen C0745103, MONDO:0007750, OMIM 143890.

Allele frequency attached by ClinVar (database versions not stated): gnomAD exomes 0.00002 and 0.00003; ExAC 0.00004.
gnomAD v4.1: 24 of 1,614,100 alleles (0.0015%); highest among the groups gnomAD compares: South Asian, 0.026%; no homozygotes.

Submissions (5):

Cambridge Genomics Laboratory, East Genomic Laboratory Hub, NHS Genomic Medicine Service
Classification: Uncertain significance for Familial hypercholesterolaemia. Last evaluated: 2026-03-24. Review status: criteria provided, single submitter. Criteria: ACGS Best Practice Guidelines for Variant Classification in Rare Disease 2020. Collection method: clinical testing. Allele origin: germline. Affected: yes.
Comment: PM2_Supporting,PP4

Labcorp Genetics (formerly Invitae), Labcorp
Classification: Likely benign for Familial hypobetalipoproteinemia 1; Hypercholesterolemia, autosomal dominant, type B. Last evaluated: 2025-10-06. Review status: criteria provided, single submitter. Criteria: Invitae Variant Classification Sherloc (09022015). Collection method: clinical testing. Allele origin: germline.

Ambry Genetics
Classification: Uncertain significance for Cardiovascular phenotype. Last evaluated: 2024-04-04. Review status: criteria provided, single submitter. Criteria: Ambry Variant Classification Scheme 2023. Collection method: clinical testing. Allele origin: germline.
Comment: The p.M3421T variant (also known as c.10262T>C), located in coding exon 26 of the APOB gene, results from a T to C substitution at nucleotide position 10262. The methionine at codon 3421 is replaced by threonine, an amino acid with similar properties. This amino acid position is conserved. In addition, the in silico prediction for this alteration is inconclusive. Based on the available evidence, the clinical significance of this variant remains unclear.

Fulgent Genetics
Classification: Uncertain significance for Hypercholesterolemia, autosomal dominant, type B; Familial hypobetalipoproteinemia 1. Last evaluated: 2021-10-19. Review status: criteria provided, single submitter. Criteria: ACMG Guidelines, 2015. Collection method: clinical testing. Allele origin: unknown.

Iberoamerican FH Network
Classification: Uncertain significance for Familial hypercholesterolemia. Last evaluated: 2016-03-01. Review status: no assertion criteria provided. Criteria: ACMG Guidelines, 2015. Collection method: research. Allele origin: germline. Not counted in ClinVar's aggregate classification.
Comment: Variant present in the database from Chile

NM_000384.3(APOB):c.10262T>C (p.Met3421Thr)

Gene: APOB (apolipoprotein B; minus strand). Cytogenetic location: 2p24.1.
Variant type: single nucleotide variant.
Coding change: c.10262T>C on transcript NM_000384.3 (MANE Select); coding-DNA position 10262, T replaced by C.
Protein change: p.Met3421Thr; replaces methionine 3421 with threonine.
Molecular consequence: missense variant.
Genome position (GRCh38, 1-based): chr2:21,006,606, A>G on the plus strand (T>C on the coding strand, the complement: APOB is on the minus strand). VCF-style: chr2-21006606-A-G. GRCh37 (hg19) VCF-style: chr2-21229478-A-G.
Other names: short protein forms M3421T.
Identifiers: ClinVar variation 523738 (VCV000523738.6), dbSNP rs755119833, ClinGen allele CA042900.